The following is an entry in ClinVar:

ClinVar aggregate classification (germline): Uncertain significance. Review status: criteria provided, multiple submitters, no conflicts (2 of 4 stars). 3 submissions from 3 submitters: Uncertain significance (3). Last evaluated 2025-06-06.

Conditions:
Hereditary cancer-predisposing syndrome. Also called: Neoplastic Syndromes, Hereditary; Tumor predisposition; Hereditary neoplastic syndrome; Hereditary Cancer Syndrome. Identifiers: Orphanet 140162, MedGen C0027672, MeSH D009386, MONDO:0015356.
Carney complex, type 1 (CNC1). Also called: CARNEY MYXOMA-ENDOCRINE COMPLEX; CARNEY COMPLEX, TYPE I. Identifiers: Orphanet 1359, MedGen C2607929, MONDO:0008057, OMIM 160980.
Acrodysostosis 1 with or without hormone resistance (ACRDYS1). Also called: ACRODYSOSTOSIS WITH HORMONE RESISTANCE; ACRODYSOSTOSIS 1 WITH HORMONE RESISTANCE; ACRODYSOSTOSIS 1 WITHOUT HORMONE RESISTANCE. Identifiers: Orphanet 280651, MedGen C3276228, MONDO:0007044, OMIM 101800.
Familial atrial myxoma. Identifiers: Orphanet 615, MedGen C2931787, MONDO:0009719, OMIM 255960.
Pigmented nodular adrenocortical disease, primary, 1 (PPNAD1). Also called: ADRENOCORTICAL NODULAR DYSPLASIA, PRIMARY; CUSHING SYNDROME, ADRENAL, DUE TO PPNAD1; PIGMENTED MICRONODULAR ADRENOCORTICAL DISEASE, PRIMARY, 1. Identifiers: Orphanet 189439, MedGen C1864846, MONDO:0012509, OMIM 610489.

Allele frequency attached by ClinVar (database versions not stated): gnomAD exomes below 0.00001.
gnomAD v4.1: 6 of 1,613,888 alleles (0.00037%); highest among the groups gnomAD compares: Non-Finnish European, 0.00051%; no homozygotes.

Submissions (3):

Ambry Genetics
Classification: Uncertain significance for Hereditary cancer-predisposing syndrome. Last evaluated: 2025-06-06. Review status: criteria provided, single submitter. Criteria: Ambry Variant Classification Scheme 2023. Collection method: clinical testing. Allele origin: germline.
Comment: The p.T266M variant (also known as c.797C>T), located in coding exon 8 of the PRKAR1A gene, results from a C to T substitution at nucleotide position 797. The threonine at codon 266 is replaced by methionine, an amino acid with similar properties. This amino acid position is highly conserved in available vertebrate species. In addition, the in silico prediction for this alteration is inconclusive. Since supporting evidence is limited at this time, the clinical significance of this alteration remains unclear.

Labcorp Genetics (formerly Invitae), Labcorp
Classification: Uncertain significance for Carney complex, type 1. Last evaluated: 2024-09-02. Review status: criteria provided, single submitter. Criteria: Invitae Variant Classification Sherloc (09022015). Collection method: clinical testing. Allele origin: germline.
Comment: This sequence change replaces threonine, which is neutral and polar, with methionine, which is neutral and non-polar, at codon 266 of the PRKAR1A protein (p.Thr266Met). This variant is present in population databases (no rsID available, gnomAD 0.0009%). This variant has not been reported in the literature in individuals affected with PRKAR1A-related conditions. ClinVar contains an entry for this variant (Variation ID: 827371). Invitae Evidence Modeling of protein sequence and biophysical properties (such as structural, functional, and spatial information, amino acid conservation, physicochemical variation, residue mobility, and thermodynamic stability) has been performed for this missense variant. However, the output from this modeling did not meet the statistical confidence thresholds required to predict the impact of this variant on PRKAR1A protein function. In summary, the available evidence is currently insufficient to determine the role of this variant in disease. Therefore, it has been classified as a Variant of Uncertain Significance.

Fulgent Genetics
Classification: Uncertain significance for Acrodysostosis 1 with or without hormone resistance; Carney complex, type 1; Familial atrial myxoma; Pigmented nodular adrenocortical disease, primary, 1. Last evaluated: 2021-09-07. Review status: criteria provided, single submitter. Criteria: ACMG Guidelines, 2015. Collection method: clinical testing. Allele origin: unknown.

NM_002734.5(PRKAR1A):c.797C>T (p.Thr266Met)

Gene: PRKAR1A (protein kinase cAMP-dependent type I regulatory subunit alpha; plus strand). Cytogenetic location: 17q24.2.
Variant type: single nucleotide variant.
Coding change: c.797C>T on transcript NM_002734.5 (MANE Select); coding-DNA position 797, C replaced by T.
Protein change: p.Thr266Met; replaces threonine 266 with methionine.
Molecular consequence: missense variant.
Genome position (GRCh38, 1-based): chr17:68,528,897, C>T. VCF-style: chr17-68528897-C-T. GRCh37 (hg19) VCF-style: chr17-66525038-C-T.
Other names: c.797C>T, p.Thr266Met (NM_001276289.2, NM_001276290.1, NM_001278433.2 and 4 more transcripts); short protein forms T266M.
Identifiers: ClinVar variation 827371 (VCV000827371.13), dbSNP rs1329426125, ClinGen allele CA400753842.